The following is an entry in ClinVar:

NM_138694.4(PKHD1):c.1260del (p.Thr421fs)

Gene: PKHD1 (PKHD1 ciliary IPT domain containing fibrocystin/polyductin; minus strand). Cytogenetic location: 6p12.2.
Variant type: Deletion.
Coding change: c.1260del on transcript NM_138694.4 (MANE Select); coding-DNA position 1260, one base deleted (C; older notation c.1260delC).
Protein change: p.Thr421fs; shifts the reading frame from threonine 421.
Molecular consequence: frameshift variant.
Genome position (GRCh38, 1-based): chr6:52,058,575, G deleted on the plus strand (C on the coding strand, the reverse complement: PKHD1 is on the minus strand). VCF-style (leftmost placement, unchanged base first): chr6-52058574-TG-T. GRCh37 (hg19) VCF-style: chr6-51923372-TG-T.
Other names: p.Gly420Glyfs*42; c.1260delC (NM_138694.4, NM_138694.3); c.1260del, p.Thr421fs (NM_170724.3); short protein forms T421fs.
Identifiers: ClinVar variation 2780089 (VCV002780089.8), dbSNP rs2533374401, ClinGen allele CA2679085431.

ClinVar aggregate classification (germline): Pathogenic/Likely pathogenic. Review status: criteria provided, multiple submitters, no conflicts (2 of 4 stars). 5 submissions from 5 submitters: Pathogenic (2); Likely pathogenic (2). 1 of the submissions does not count toward it. Last evaluated 2024-09-30.

Conditions:
Polycystic kidney disease 4 (PKD4). Also called: POLYCYSTIC KIDNEY DISEASE 4 WITH OR WITHOUT POLYCYSTIC LIVER DISEASE; POLYCYSTIC KIDNEY AND HEPATIC DISEASE 1; POLYCYSTIC KIDNEY DISEASE, INFANTILE, TYPE I; PKD3; Autosomal Recessive Polycystic Kidney Disease – PKHD1. Identifiers: MedGen C4540575, MONDO:0033004, OMIM 263200.
Autosomal recessive polycystic kidney disease (ARPKD). Also called: AR polycystic kidney disease. Identifiers: Orphanet 731, Orphanet 8378, MedGen C0085548, MeSH D017044, MONDO:0009889.

Allele frequency attached by ClinVar (database versions not stated): gnomAD exomes below 0.00001.

Submissions (5):

Natera, Inc.
Classification: Likely pathogenic for Autosomal recessive polycystic kidney disease. Last evaluated: 2024-09-30. Review status: criteria provided, single submitter. Criteria: Natera Variant Classification Schema (03/2026). Collection method: clinical testing. Allele origin: germline.
Comment: The c.1260delC variant in PKHD1 is a frameshift variant predicted to shift the reading frame beginning at codon 421 and leads to a stop codon 41 codons downstream. This variant is expected to result in nonsense mediated decay, truncation, or a dysfunctional protein product. This variant is rare in the general population with a frequency below the threshold expected for the associated phenotype(s). Given the available evidence, this variant is classified as Likely Pathogenic.

Foundation for Research in Genetics and Endocrinology, FRIGE's Institute of Human Genetics
Classification: Pathogenic for Polycystic kidney disease 4. Last evaluated: 2024-05-14. Review status: criteria provided, single submitter. Criteria: ACMG Guidelines, 2015. Collection method: clinical testing. Allele origin: germline. Inheritance: Autosomal recessive inheritance. Affected: yes. Observed: 1 compound heterozygote.
Comment: A heterozygous single base pair deletion in exon 16 of the PKHD1 gene that results in a frameshift truncation of the protein 42 amino acids to codon 420 was detected. The variant has not been reported in the gnomAD database. In summary, the variant meets our criteria to be classified as pathogenic.

Fulgent Genetics
Classification: Likely pathogenic for Polycystic kidney disease 4. Last evaluated: 2024-05-11. Review status: criteria provided, single submitter. Criteria: ACMG Guidelines, 2015. Collection method: clinical testing. Allele origin: germline.

Labcorp Genetics (formerly Invitae), Labcorp
Classification: Pathogenic for Autosomal recessive polycystic kidney disease. Last evaluated: 2023-07-31. Review status: criteria provided, single submitter. Criteria: Invitae Variant Classification Sherloc (09022015). Collection method: clinical testing. Allele origin: germline.
Comment: For these reasons, this variant has been classified as Pathogenic. This premature translational stop signal has been observed in individual(s) with autosomal recessive polycystic kidney disease (PMID: 33940108). This variant is not present in population databases (gnomAD no frequency). This sequence change creates a premature translational stop signal (p.Thr421Leufs*41) in the PKHD1 gene. It is expected to result in an absent or disrupted protein product. Loss-of-function variants in PKHD1 are known to be pathogenic (PMID: 19940839).

Genetics laboratory, Institute of Kidney Diseases & Research Centre Dr. H.L. Trivedi Institute Of Transplantation Sciences
Classification: Pathogenic for Polycystic kidney disease 4. Last evaluated: 2024-04-18. Review status: no assertion criteria provided. Collection method: clinical testing. Allele origin: germline. Inheritance: Autosomal recessive inheritance. Affected: yes. Observed: 1 variant allele, 1 compound heterozygote. Not counted in ClinVar's aggregate classification.
Comment: A heterozygous single base deletion variant c.1260delC in exon 16 of PKHD1 gene (chr6:51923372; Depth: 136x) that results in a frameshift deletion and another heterozygous missense variant c.11425G>A in exon 64 of PKHD1 gene (chr6:51923372; Depth: 29x). The variant c.1260delC has not been observed in the population databases, whereas, the variant c.11425G>A has been observed with MAF of 0.0032% in the gnomAD database. Both variants are predicted to be deleterious by CADD, SIFT and REVEL. Variant c.1260delC is classified as pathogenic whereas the variant c.11425G>A is classified as a variant of uncertain significance according to the ACMG AMP classification system and ClinGen framework.

Literature cited by the submitters: PubMed 33940108 (cited by Labcorp Genetics (formerly Invitae), Labcorp); PubMed 19940839 (cited by Labcorp Genetics (formerly Invitae), Labcorp).